The following is an entry in ClinVar:

ClinVar aggregate classification (germline): Uncertain significance (1 of 4 stars; one submission).

Conditions:
Pontocerebellar hypoplasia type 9. Identifiers: Orphanet 369920, MedGen C4014354, MONDO:0014351, OMIM 615809.
Hereditary spastic paraplegia 63. Also called: Spastic paraplegia 63, autosomal recessive. Identifiers: Orphanet 401805, MedGen C3810295, MONDO:0014305, OMIM 615686.

Allele frequency attached by ClinVar (database versions not stated): gnomAD exomes below 0.00001 and 0.00002.
gnomAD v4.1: 31 of 1,612,882 alleles (0.0019%); highest among the groups gnomAD compares: Non-Finnish European, 0.0025%; no homozygotes.

Submission:

Labcorp Genetics (formerly Invitae), Labcorp
Classification: Uncertain significance for Pontocerebellar hypoplasia type 9; Hereditary spastic paraplegia 63. Last evaluated: 2024-11-18. Review status: criteria provided, single submitter. Criteria: Invitae Variant Classification Sherloc (09022015). Collection method: clinical testing. Allele origin: germline.
Comment: This sequence change replaces alanine, which is neutral and non-polar, with serine, which is neutral and polar, at codon 79 of the AMPD2 protein (p.Ala79Ser). This variant is not present in population databases (gnomAD no frequency). This variant has not been reported in the literature in individuals affected with AMPD2-related conditions. ClinVar contains an entry for this variant (Variation ID: 1461128). An algorithm developed to predict the effect of missense changes on protein structure and function (PolyPhen-2) suggests that this variant is likely to be tolerated. In summary, the available evidence is currently insufficient to determine the role of this variant in disease. Therefore, it has been classified as a Variant of Uncertain Significance.

NM_001368809.2(AMPD2):c.73G>T (p.Ala25Ser)

Genes: AMPD2 (adenosine monophosphate deaminase 2; plus strand), LOC129931109 (ATAC-STARR-seq lymphoblastoid active region 1448; plus strand). Cytogenetic location: 1p13.3.
Variant type: single nucleotide variant.
Coding change: c.73G>T on transcript NM_001368809.2 (MANE Select); coding-DNA position 73, G replaced by T.
Protein change: p.Ala25Ser; replaces alanine 25 with serine.
Molecular consequence: missense variant. On other transcripts: intron variant (1).
Genome position (GRCh38, 1-based): chr1:109,621,248, G>T. VCF-style: chr1-109621248-G-T. GRCh37 (hg19) VCF-style: chr1-110163870-G-T.
Other names: c.141G>T, p.Arg47Ser (NM_001308170.1); c.73G>T, p.Ala25Ser (NM_004037.9); c.10+970G>T (NM_139156.4); short protein forms R47S, A25S.
Identifiers: ClinVar variation 1461128 (VCV001461128.6), dbSNP rs943933650, ClinGen allele CA28686541.
Genomic context (GRCh38, chr1:109,621,248, plus strand): 5'-CCATCTGGCTCTGGCAAGCCCAAGGCCAAATATCCCTTTAAGAAGCGGGCCAGCCTGCAG[G>T]CCTCCACTGCAGCTCCAGGTGAGTGTGTGCTTCCTGGCCTCAGGATAGATGCTGGGCTCT-3'
Protein context (NP_001355738.1, residues 15-35): YPFKKRASLQ[Ala25Ser]STAAPEARGG